The following is an entry in ClinVar:

NM_002317.7(LOX):c.278T>C (p.Leu93Pro)

Genes: LOX (lysyl oxidase; minus strand), SRFBP1 (serum response factor binding protein 1; plus strand). Cytogenetic location: 5q23.1.
Variant type: single nucleotide variant.
Coding change: c.278T>C on transcript NM_002317.7 (MANE Select); coding-DNA position 278, T replaced by C.
Protein change: p.Leu93Pro; replaces leucine 93 with proline.
Molecular consequence: missense variant.
Genome position (GRCh38, 1-based): chr5:122,077,708, A>G on the plus strand (T>C on the coding strand, the complement: LOX is on the minus strand). VCF-style: chr5-122077708-A-G. GRCh37 (hg19) VCF-style: chr5-121413403-A-G.
Other names: short protein forms L93P.
Identifiers: ClinVar variation 5008354 (VCV005008354.1).
Genomic context (GRCh38, chr5:122,077,708, plus strand): 5'-GTGACTCCAGATGAGCCGGCCGTCCGCGTTCGCGCCGCGGCGGTGCGGTTGTCGCGGATC[A>G]GCAGGATCGGAGTGCGGGGCTGCTGGGCGGAGGCGTTGGCTGCACCAGGGACGGCGGCGC-3'
Protein context (NP_002308.2, residues 83-103): SAQQPRTPIL[Leu93Pro]IRDNRTAAAR

ClinVar aggregate classification (germline): Uncertain significance (1 of 4 stars; one submission).

gnomAD v4.1: 1 of 1,592,558 alleles (0.000063%); no homozygotes.

Submission:

GeneDx
Classification: Uncertain significance. Last evaluated: 2026-03-03. Review status: criteria provided, single submitter. Criteria: GeneDx Variant Classification Process June 2021. Collection method: clinical testing. Allele origin: germline.
Comment: Not observed at significant frequency in large population cohorts (gnomAD); In silico analysis suggests that this missense variant does not alter protein structure/function; Has not been previously published as pathogenic or benign to our knowledge